The following is an entry in ClinVar:

ClinVar aggregate classification (germline): Uncertain significance (1 of 4 stars; one submission).

Submission:

Labcorp Genetics (formerly Invitae), Labcorp
Classification: Uncertain significance. Last evaluated: 2019-07-25. Review status: criteria provided, single submitter. Criteria: Invitae Variant Classification Sherloc (09022015). Collection method: clinical testing. Allele origin: germline.
Comment: In summary, the available evidence is currently insufficient to determine the role of this variant in disease. Therefore, it has been classified as a Variant of Uncertain Significance. This sequence change replaces serine with arginine at codon 163 of the ADCY10 protein (p.Ser163Arg). The serine residue is weakly conserved and there is a moderate physicochemical difference between serine and arginine. This variant is not present in population databases (ExAC no frequency). This variant has not been reported in the literature in individuals with ADCY10-related conditions. Algorithms developed to predict the effect of missense changes on protein structure and function (SIFT, PolyPhen-2, Align-GVGD) all suggest that this variant is likely to be tolerated, but these predictions have not been confirmed by published functional studies and their clinical significance is uncertain.

NM_018417.6(ADCY10):c.489C>G (p.Ser163Arg)

Genes: ADCY10 (adenylate cyclase 10; minus strand), DCAF6 (DDB1 and CUL4 associated factor 6; plus strand). Cytogenetic location: 1q24.2.
Variant type: single nucleotide variant.
Coding change: c.489C>G on transcript NM_018417.6 (MANE Select); coding-DNA position 489, C replaced by G.
Protein change: p.Ser163Arg; replaces serine 163 with arginine.
Molecular consequence: missense variant.
Genome position (GRCh38, 1-based): chr1:167,899,576, G>C on the plus strand (C>G on the coding strand, the complement: ADCY10 is on the minus strand). VCF-style: chr1-167899576-G-C. GRCh37 (hg19) VCF-style: chr1-167868814-G-C.
Other names: c.30C>G, p.Ser10Arg (NM_001167749.3); c.213C>G, p.Ser71Arg (NM_001297772.2); short protein forms S10R, S71R, S163R.
Identifiers: ClinVar variation 959799 (VCV000959799.7), dbSNP rs1669248047, ClinGen allele CA343105808.